The following is an entry in ClinVar:

ClinVar aggregate classification (germline): Uncertain significance (1 of 4 stars; one submission).

Allele frequency attached by ClinVar (database versions not stated): ExAC 0.00001; gnomAD exomes 0.00001.
gnomAD v4.1: 7 of 1,613,934 alleles (0.00043%); highest among the groups gnomAD compares: African/African-American, 0.0013%; no homozygotes.

Submission:

Labcorp Genetics (formerly Invitae), Labcorp
Classification: Uncertain significance. Last evaluated: 2023-11-27. Review status: criteria provided, single submitter. Criteria: Invitae Variant Classification Sherloc (09022015). Collection method: clinical testing. Allele origin: germline.
Comment: This sequence change replaces arginine, which is basic and polar, with tryptophan, which is neutral and slightly polar, at codon 76 of the MTPAP protein (p.Arg76Trp). This variant is present in population databases (rs774213357, gnomAD 0.0009%). This variant has not been reported in the literature in individuals affected with MTPAP-related conditions. ClinVar contains an entry for this variant (Variation ID: 2116537). Advanced modeling of protein sequence and biophysical properties (such as structural, functional, and spatial information, amino acid conservation, physicochemical variation, residue mobility, and thermodynamic stability) performed at Invitae indicates that this missense variant is expected to disrupt MTPAP protein function with a positive predictive value of 80%. In summary, the available evidence is currently insufficient to determine the role of this variant in disease. Therefore, it has been classified as a Variant of Uncertain Significance.

NM_018109.4(MTPAP):c.226C>T (p.Arg76Trp)

Gene: MTPAP (mitochondrial poly(A) polymerase; minus strand). Cytogenetic location: 10p11.23.
Variant type: single nucleotide variant.
Coding change: c.226C>T on transcript NM_018109.4 (MANE Select); coding-DNA position 226, C replaced by T.
Protein change: p.Arg76Trp; replaces arginine 76 with tryptophan.
Molecular consequence: missense variant.
Genome position (GRCh38, 1-based): chr10:30,341,572, G>A on the plus strand (C>T on the coding strand, the complement: MTPAP is on the minus strand). VCF-style: chr10-30341572-G-A. GRCh37 (hg19) VCF-style: chr10-30630501-G-A.
Other names: short protein forms R76W.
Identifiers: ClinVar variation 2116537 (VCV002116537.4), dbSNP rs774213357, ClinGen allele CA5459248.
Genomic context (GRCh38, chr10:30,341,572, plus strand): 5'-ATAAATATTTAAGAAACTTGTTTTCACTGATTTTCTCTGGGCAATGTATTAAAACAGTCC[G>A]CTGTGCCTGTTCTCGTCTTTCATTTTGCATCTCAGAGAATCTCCTTTTGGGAATCTTGTC-3'
Protein context (NP_060579.3, residues 66-86): MQNERREQAQ[Arg76Trp]TVLIHCPEKI